The following is an entry in ClinVar:

ClinVar aggregate classification (germline): Pathogenic (1 of 4 stars; one submission).

Conditions:
Bloom syndrome (BLM). Also called: Bloom-Torre-Machacek syndrome. Identifiers: Orphanet 125, MedGen C0005859, MONDO:0008876, OMIM 210900.

Submission:

Labcorp Genetics (formerly Invitae), Labcorp
Classification: Pathogenic for Bloom syndrome. Last evaluated: 2019-12-22. Review status: criteria provided, single submitter. Criteria: Invitae Variant Classification Sherloc (09022015). Collection method: clinical testing. Allele origin: germline.
Comment: This variant has not been reported in the literature in individuals with BLM-related conditions. For these reasons, this variant has been classified as Pathogenic. Loss-of-function variants in BLM are known to be pathogenic (PMID: 17407155). This variant is not present in population databases (ExAC no frequency). This sequence change creates a premature translational stop signal (p.Pro126Asnfs*16) in the BLM gene. It is expected to result in an absent or disrupted protein product.

Literature cited by the submitters: PubMed 17407155.

NM_000057.4(BLM):c.375_376del (p.Pro126fs)

Gene: BLM (BLM RecQ like helicase; plus strand). Cytogenetic location: 15q26.1.
Variant type: Microsatellite.
Coding change: c.375_376del on transcript NM_000057.4 (MANE Select); coding-DNA positions 375 to 376, 2 bases deleted (AC; older notation c.375_376delAC).
Protein change: p.Pro126fs; shifts the reading frame from proline 126.
Molecular consequence: frameshift variant. On other transcripts: 5 prime UTR variant (1).
Genome position (GRCh38, 1-based): chr15:90,749,643-90,749,644, AC deleted; deleting any 2 consecutive bases within chr15:90,749,639-90,749,644 gives the same sequence; the c. name uses the placement nearest the transcript's 3' end. VCF-style (leftmost placement, unchanged base first): chr15-90749638-AAC-A. GRCh37 (hg19) VCF-style: chr15-91292868-AAC-A.
Other names: c.375_376del, p.Pro126fs (NM_001287246.2, NM_001287247.2); c.-921AC[2] (NM_001287248.2); short protein forms P126fs.
Identifiers: ClinVar variation 835407 (VCV000835407.9), dbSNP rs1895612617, ClinGen allele CA916080556.